The following is an entry in ClinVar:

ClinVar aggregate classification (germline): Uncertain significance. Review status: criteria provided, multiple submitters, no conflicts (2 of 4 stars). 3 submissions from 3 submitters: Uncertain significance (3). Last evaluated 2026-04-27.

Conditions:
Vitamin D-dependent rickets type II with alopecia (VDDR2A). Also called: Vitamin D-dependent rickets, type 2A; GENERALIZED RESISTANCE TO 1,25-DIHYDROXYVITAMIN D; HYPOCALCEMIC VITAMIN D-RESISTANT RICKETS; PDDR IIA; PSEUDOVITAMIN D-DEFICIENCY, TYPE IIA; RICKETS, HEREDITARY VITAMIN D-RESISTANT. Identifiers: Orphanet 93160, MedGen C0342646, MONDO:0010186, OMIM 277440.

Allele frequency attached by ClinVar (database versions not stated): ExAC 0.00006; gnomAD 0.00006; gnomAD exomes 0.00007; TOPMed 0.00008.
gnomAD v4.1: 137 of 1,613,838 alleles (0.0085%); highest among the groups gnomAD compares: Middle Eastern, 0.034%; no homozygotes.

Submissions (3):

Women's Health and Genetics/Laboratory Corporation of America, LabCorp
Classification: Uncertain significance. Last evaluated: 2026-04-27. Review status: criteria provided, single submitter. Criteria: LabCorp Variant Classification Summary - May 2015. Collection method: clinical testing. Allele origin: germline.
Comment: Variant summary: VDR c.886C>T (p.Arg296Cys) results in a non-conservative amino acid change in the encoded protein sequence. Algorithms developed to predict the effect of missense changes on protein structure and function are either unavailable or do not agree on the potential impact of this missense change. The variant allele was found at a frequency of 7.2e-05 in 251482 control chromosomes. This frequency is not significantly higher than estimated for disease-causing variants in VDR, allowing no conclusion about variant significance. To our knowledge, no occurrence of c.886C>T in individuals affected with VDR-related conditions and no experimental evidence demonstrating its impact on protein function have been reported. ClinVar contains an entry for this variant (Variation ID: 1449972). Based on the evidence outlined above, the variant was classified as uncertain significance.

Fulgent Genetics
Classification: Uncertain significance for Vitamin D-dependent rickets type II with alopecia. Last evaluated: 2024-06-18. Review status: criteria provided, single submitter. Criteria: ACMG Guidelines, 2015. Collection method: clinical testing. Allele origin: germline.

Labcorp Genetics (formerly Invitae), Labcorp
Classification: Uncertain significance. Last evaluated: 2022-07-19. Review status: criteria provided, single submitter. Criteria: Invitae Variant Classification Sherloc (09022015). Collection method: clinical testing. Allele origin: germline.
Comment: This sequence change replaces arginine, which is basic and polar, with cysteine, which is neutral and slightly polar, at codon 296 of the VDR protein (p.Arg296Cys). This variant is present in population databases (rs61761615, gnomAD 0.01%). This variant has not been reported in the literature in individuals affected with VDR-related conditions. ClinVar contains an entry for this variant (Variation ID: 1449972). Algorithms developed to predict the effect of missense changes on protein structure and function output the following: SIFT: "Tolerated"; PolyPhen-2: "Benign"; Align-GVGD: "Class C0". The cysteine amino acid residue is found in multiple mammalian species, which suggests that this missense change does not adversely affect protein function. In summary, the available evidence is currently insufficient to determine the role of this variant in disease. Therefore, it has been classified as a Variant of Uncertain Significance.

NM_000376.3(VDR):c.886C>T (p.Arg296Cys)

Gene: VDR (vitamin D receptor; minus strand). Cytogenetic location: 12q13.11.
Variant type: single nucleotide variant.
Coding change: c.886C>T on transcript NM_000376.3 (MANE Select); coding-DNA position 886, C replaced by T.
Protein change: p.Arg296Cys; replaces arginine 296 with cysteine.
Molecular consequence: missense variant.
Genome position (GRCh38, 1-based): chr12:47,846,678, G>A on the plus strand (C>T on the coding strand, the complement: VDR is on the minus strand). VCF-style: chr12-47846678-G-A. GRCh37 (hg19) VCF-style: chr12-48240461-G-A.
Other names: c.886C>T (NM_001017535.1); c.886C>T, p.Arg296Cys (NM_001017535.2, NM_001364085.2, NM_001374661.1 and 1 more transcripts); c.1036C>T, p.Arg346Cys (NM_001017536.2); short protein forms R296C, R346C.
Identifiers: ClinVar variation 1449972 (VCV001449972.5), dbSNP rs61761615, ClinGen allele CA6533840.